The following is an entry in ClinVar:

NM_000553.6(WRN):c.748A>G (p.Met250Val)

Gene: WRN (WRN RecQ like helicase; plus strand). Cytogenetic location: 8p12.
Variant type: single nucleotide variant.
Coding change: c.748A>G on transcript NM_000553.6 (MANE Select); coding-DNA position 748, A replaced by G.
Protein change: p.Met250Val; replaces methionine 250 with valine.
Molecular consequence: missense variant.
Genome position (GRCh38, 1-based): chr8:31,076,196, A>G. VCF-style: chr8-31076196-A-G. GRCh37 (hg19) VCF-style: chr8-30933712-A-G.
Other names: short protein forms M250V.
Identifiers: ClinVar variation 967554 (VCV000967554.8), dbSNP rs767793936, ClinGen allele CA174855393.

ClinVar aggregate classification (germline): Uncertain significance (1 of 4 stars; one submission).

Conditions:
Werner syndrome (WRN). Identifiers: Orphanet 902, MedGen C0043119, MONDO:0010196, OMIM 277700.

Allele frequency attached by ClinVar (database versions not stated): gnomAD exomes below 0.00001; TOPMed below 0.00001; gnomAD 0.00001.
gnomAD v4.1: 35 of 1,613,918 alleles (0.0022%); highest among the groups gnomAD compares: Middle Eastern, 0.017%; no homozygotes.

Submission:

Labcorp Genetics (formerly Invitae), Labcorp
Classification: Uncertain significance for Werner syndrome. Last evaluated: 2022-05-24. Review status: criteria provided, single submitter. Criteria: Invitae Variant Classification Sherloc (09022015). Collection method: clinical testing. Allele origin: germline.
Comment: In summary, the available evidence is currently insufficient to determine the role of this variant in disease. Therefore, it has been classified as a Variant of Uncertain Significance. Algorithms developed to predict the effect of missense changes on protein structure and function output the following: SIFT: "Not Available"; PolyPhen-2: "Benign"; Align-GVGD: "Not Available". The valine amino acid residue is found in multiple mammalian species, which suggests that this missense change does not adversely affect protein function. ClinVar contains an entry for this variant (Variation ID: 967554). This variant has not been reported in the literature in individuals affected with WRN-related conditions. This variant is present in population databases (rs767793936, gnomAD 0.0009%). This sequence change replaces methionine, which is neutral and non-polar, with valine, which is neutral and non-polar, at codon 250 of the WRN protein (p.Met250Val).